The following is an entry in ClinVar:

NM_001242.5(CD27):c.202G>T (p.Gly68Trp)

Genes: CD27 (CD27 molecule; plus strand), CD27-AS1 (CD27 antisense RNA 1; minus strand). Cytogenetic location: 12p13.31.
Variant type: single nucleotide variant.
Coding change: c.202G>T on transcript NM_001242.5 (MANE Select); coding-DNA position 202, G replaced by T.
Protein change: p.Gly68Trp; replaces glycine 68 with tryptophan.
Molecular consequence: missense variant.
Genome position (GRCh38, 1-based): chr12:6,445,489, G>T. VCF-style: chr12-6445489-G-T. GRCh37 (hg19) VCF-style: chr12-6554655-G-T.
Other names: short protein forms G68W.
Identifiers: ClinVar variation 1354119 (VCV001354119.8), dbSNP rs2136960721, ClinGen allele CA383547093.
Genomic context (GRCh38, chr12:6,445,489, plus strand): 5'-TTCCTCGTGAAGGACTGTGACCAGCATAGAAAGGCTGCTCAGTGTGATCCTTGCATACCG[G>T]GGGTCTCCTTCTCTCCTGACCACCACACCCGGCCCCACTGTGAGAGCTGTCGGCACTGTA-3'
Protein context (NP_001233.2, residues 58-78): KAAQCDPCIP[Gly68Trp]VSFSPDHHTR

ClinVar aggregate classification (germline): Uncertain significance (1 of 4 stars; one submission).

Conditions:
Lymphoproliferative syndrome 2 (LPFS2). Also called: Combined immunodeficiency due to CD27 deficiency; CD27 DEFICIENCY. Identifiers: Orphanet 238505, MedGen C3554540, MONDO:0014054, OMIM 615122.

Allele frequency attached by ClinVar (database versions not stated): gnomAD exomes below 0.00001.

Submission:

Labcorp Genetics (formerly Invitae), Labcorp
Classification: Uncertain significance for Lymphoproliferative syndrome 2. Last evaluated: 2025-09-22. Review status: criteria provided, single submitter. Criteria: Invitae Variant Classification Sherloc (09022015). Collection method: clinical testing. Allele origin: germline.
Comment: This sequence change replaces glycine, which is neutral and non-polar, with tryptophan, which is neutral and slightly polar, at codon 68 of the CD27 protein (p.Gly68Trp). This variant is not present in population databases (gnomAD no frequency). This variant has not been reported in the literature in individuals affected with CD27-related conditions. ClinVar contains an entry for this variant (Variation ID: 1354119). Invitae Evidence Modeling of protein sequence and biophysical properties (such as structural, functional, and spatial information, amino acid conservation, physicochemical variation, residue mobility, and thermodynamic stability) indicates that this missense variant is expected to disrupt CD27 protein function with a positive predictive value of 80%. In summary, the available evidence is currently insufficient to determine the role of this variant in disease. Therefore, it has been classified as a Variant of Uncertain Significance.